The following is an entry in ClinVar:

ClinVar aggregate classification (germline): Uncertain significance (1 of 4 stars; one submission).

Submission:

GeneDx
Classification: Uncertain significance. Last evaluated: 2024-07-17. Review status: criteria provided, single submitter. Criteria: GeneDx Variant Classification Process June 2021. Collection method: clinical testing. Allele origin: germline. Affected: yes.
Comment: Not observed at significant frequency in large population cohorts (gnomAD); In silico analysis indicates that this missense variant does not alter protein structure/function; Has not been previously published as pathogenic or benign to our knowledge

NM_003128.3(SPTBN1):c.2477G>T (p.Gly826Val)

Gene: SPTBN1 (spectrin beta, non-erythrocytic 1; plus strand). Cytogenetic location: 2p16.2.
Variant type: single nucleotide variant.
Coding change: c.2477G>T on transcript NM_003128.3 (MANE Select); coding-DNA position 2477, G replaced by T.
Protein change: p.Gly826Val; replaces glycine 826 with valine.
Molecular consequence: missense variant.
Genome position (GRCh38, 1-based): chr2:54,629,611, G>T. VCF-style: chr2-54629611-G-T. GRCh37 (hg19) VCF-style: chr2-54856748-G-T.
Other names: c.2438G>T, p.Gly813Val (NM_178313.3); short protein forms G813V, G826V.
Identifiers: ClinVar variation 3573877 (VCV003573877.1).